The following is an entry in ClinVar:

ClinVar aggregate classification (germline): Uncertain significance. Review status: criteria provided, multiple submitters, no conflicts (2 of 4 stars). 2 submissions from 2 submitters: Uncertain significance (2). Last evaluated 2025-01-02.

Conditions:
Inborn genetic diseases. Identifiers: MedGen C0950123, MeSH D030342.

Allele frequency attached by ClinVar (database versions not stated): ExAC 0.00001; gnomAD exomes 0.00001; TOPMed 0.00001.

Submissions (2):

Ambry Genetics
Classification: Uncertain significance for Inborn genetic diseases. Last evaluated: 2025-01-02. Review status: criteria provided, single submitter. Criteria: Ambry Variant Classification Scheme 2023. Collection method: clinical testing. Allele origin: germline.

Women's Health and Genetics/Laboratory Corporation of America, LabCorp
Classification: Uncertain significance. Last evaluated: 2023-12-26. Review status: criteria provided, single submitter. Criteria: LabCorp Variant Classification Summary - May 2015. Collection method: clinical testing. Allele origin: germline.
Comment: Variant summary: DLG4 c.609G>T (p.Glu203Asp) results in a conservative amino acid change located in the PDZ domain (IPR001478) of the encoded protein sequence. Four of five in-silico tools predict a benign effect of the variant on protein function. The variant allele was found at a frequency of 8e-06 in 249024 control chromosomes (gnomAD). The available data on variant occurrences in the general population are insufficient to allow any conclusion about variant significance. To our knowledge, no occurrence of c.609G>T in individuals affected with Intellectual Developmental Disorder 62 and no experimental evidence demonstrating its impact on protein function have been reported. No submitters have cited clinical-significance assessments for this variant to ClinVar after 2014. Based on the evidence outlined above, the variant was classified as uncertain significance.

NM_001321075.3(DLG4):c.480G>T (p.Glu160Asp)

Gene: DLG4 (discs large MAGUK scaffold protein 4; minus strand). Cytogenetic location: 17p13.1.
Variant type: single nucleotide variant.
Coding change: c.480G>T on transcript NM_001321075.3 (MANE Select); coding-DNA position 480, G replaced by T.
Protein change: p.Glu160Asp; replaces glutamic acid 160 with aspartic acid.
Molecular consequence: missense variant. On other transcripts: non-coding transcript variant (1).
Genome position (GRCh38, 1-based): chr17:7,203,449, C>A on the plus strand (G>T on the coding strand, the complement: DLG4 is on the minus strand). VCF-style: chr17-7203449-C-A. GRCh37 (hg19) VCF-style: chr17-7106768-C-A.
Other names: c.471G>T, p.Glu157Asp (NM_001128827.4); c.600G>T, p.Glu200Asp (NM_001321074.1); c.300G>T, p.Glu100Asp (NM_001321076.3, NM_001321077.3); c.609G>T, p.Glu203Asp (NM_001365.5); c.399G>T, p.Glu133Asp (NM_001369566.3); c.609G>T (NM_001365.3); short protein forms E100D, E133D, E157D, E160D, E200D, E203D.
Identifiers: ClinVar variation 2691405 (VCV002691405.2), dbSNP rs750247768, ClinGen allele CA8337189.